The following is an entry in ClinVar:

ClinVar aggregate classification (germline): Uncertain significance. Review status: criteria provided, multiple submitters, no conflicts (2 of 4 stars). 2 submissions from 2 submitters: Uncertain significance (2). Last evaluated 2025-03-22.

Conditions:
Inborn genetic diseases. Identifiers: MedGen C0950123, MeSH D030342.

Allele frequency attached by ClinVar (database versions not stated): gnomAD exomes 0.00001; ExAC 0.00002; gnomAD 0.00002; TOPMed 0.00005; 1000 Genomes Project 30x 0.00016; 1000 Genomes Project 0.00020.
gnomAD v4.1: 11 of 1,613,900 alleles (0.00068%); highest among the groups gnomAD compares: African/African-American, 0.004%; no homozygotes.

Submissions (2):

Ambry Genetics
Classification: Uncertain significance for Inborn genetic diseases. Last evaluated: 2025-03-22. Review status: criteria provided, single submitter. Criteria: Ambry Variant Classification Scheme 2023. Collection method: clinical testing. Allele origin: germline.

Labcorp Genetics (formerly Invitae), Labcorp
Classification: Uncertain significance. Last evaluated: 2024-11-18. Review status: criteria provided, single submitter. Criteria: Invitae Variant Classification Sherloc (09022015). Collection method: clinical testing. Allele origin: germline.
Comment: This sequence change replaces arginine, which is basic and polar, with cysteine, which is neutral and slightly polar, at codon 814 of the POLR1A protein (p.Arg814Cys). This variant is present in population databases (rs549375944, gnomAD 0.01%). This variant has not been reported in the literature in individuals affected with POLR1A-related conditions. ClinVar contains an entry for this variant (Variation ID: 1914188). Invitae Evidence Modeling of protein sequence and biophysical properties (such as structural, functional, and spatial information, amino acid conservation, physicochemical variation, residue mobility, and thermodynamic stability) indicates that this missense variant is not expected to disrupt POLR1A protein function with a negative predictive value of 80%. In summary, the available evidence is currently insufficient to determine the role of this variant in disease. Therefore, it has been classified as a Variant of Uncertain Significance.

NM_015425.6(POLR1A):c.2440C>T (p.Arg814Cys)

Gene: POLR1A (RNA polymerase I subunit A; minus strand). Cytogenetic location: 2p11.2.
Variant type: single nucleotide variant.
Coding change: c.2440C>T on transcript NM_015425.6 (MANE Select); coding-DNA position 2440, C replaced by T.
Protein change: p.Arg814Cys; replaces arginine 814 with cysteine.
Molecular consequence: missense variant.
Genome position (GRCh38, 1-based): chr2:86,049,195, G>A on the plus strand (C>T on the coding strand, the complement: POLR1A is on the minus strand). VCF-style: chr2-86049195-G-A. GRCh37 (hg19) VCF-style: chr2-86276318-G-A.
Other names: c.2440C>T (NM_015425.3); short protein forms R814C.
Identifiers: ClinVar variation 1914188 (VCV001914188.6), dbSNP rs549375944, ClinGen allele CA1746064.
Genomic context (GRCh38, chr2:86,049,195, plus strand): 5'-CCACGGCCTCGAAGTCCCTCCTTACCTGGGGCCCGCAGTGGGTGGATTCTTCAATGATAC[G>A]TTGCCTCTTGACATCTGCCTTTGGCTTCACCAAAATGTCTTCCACGCCTGTGAAGTGAAA-3'
Protein context (NP_056240.2, residues 804-824): VKPKADVKRQ[Arg814Cys]IIEESTHCGP